The following is an entry in ClinVar:

NM_001737.5(C9):c.542G>A (p.Cys181Tyr)

Gene: C9 (complement C9; minus strand). Cytogenetic location: 5p13.1.
Variant type: single nucleotide variant.
Coding change: c.542G>A on transcript NM_001737.5 (MANE Select); coding-DNA position 542, G replaced by A.
Protein change: p.Cys181Tyr; replaces cysteine 181 with tyrosine.
Molecular consequence: missense variant.
Genome position (GRCh38, 1-based): chr5:39,331,749, C>T on the plus strand (G>A on the coding strand, the complement: C9 is on the minus strand). VCF-style: chr5-39331749-C-T. GRCh37 (hg19) VCF-style: chr5-39331851-C-T.
Other names: short protein forms C181Y.
Identifiers: ClinVar variation 1904436 (VCV001904436.2), dbSNP rs1333654930, ClinGen allele CA359561657.

ClinVar aggregate classification (germline): Uncertain significance (1 of 4 stars; one submission).

Allele frequency attached by ClinVar (database versions not stated): gnomAD exomes below 0.00001; TOPMed 0.00001; gnomAD 0.00002.
gnomAD v4.1: 6 of 1,612,910 alleles (0.00037%); highest among the groups gnomAD compares: Non-Finnish European, 0.00051%; no homozygotes.

Submission:

Labcorp Genetics (formerly Invitae), Labcorp
Classification: Uncertain significance. Last evaluated: 2021-08-28. Review status: criteria provided, single submitter. Criteria: Invitae Variant Classification Sherloc (09022015). Collection method: clinical testing. Allele origin: germline.
Comment: This sequence change replaces cysteine with tyrosine at codon 181 of the C9 protein (p.Cys181Tyr). The cysteine residue is highly conserved and there is a large physicochemical difference between cysteine and tyrosine. This variant is not present in population databases (ExAC no frequency). This variant has not been reported in the literature in individuals affected with C9-related conditions. Algorithms developed to predict the effect of missense changes on protein structure and function are either unavailable or do not agree on the potential impact of this missense change (SIFT: "Not Available"; PolyPhen-2: "Probably Damaging"; Align-GVGD: "Not Available"). In summary, the available evidence is currently insufficient to determine the role of this variant in disease. Therefore, it has been classified as a Variant of Uncertain Significance.